The following is an entry in ClinVar:

NM_001004356.3(FGFRL1):c.589G>T (p.Ala197Ser)

Gene: FGFRL1 (fibroblast growth factor receptor like 1; plus strand). Cytogenetic location: 4p16.3.
Variant type: single nucleotide variant.
Coding change: c.589G>T on transcript NM_001004356.3 (MANE Select); coding-DNA position 589, G replaced by T.
Protein change: p.Ala197Ser; replaces alanine 197 with serine.
Molecular consequence: missense variant.
Genome position (GRCh38, 1-based): chr4:1,023,972, G>T. VCF-style: chr4-1023972-G-T. GRCh37 (hg19) VCF-style: chr4-1017760-G-T.
Other names: c.589G>T, p.Ala197Ser (NM_001004358.1, NM_001370296.1, NM_021923.3); short protein forms A197S.
Identifiers: ClinVar variation 3604561 (VCV003604561.2).

ClinVar aggregate classification (germline): Uncertain significance (1 of 4 stars; one submission).

gnomAD v4.1: 49 of 1,599,642 alleles (0.0031%); highest among the groups gnomAD compares: South Asian, 0.0067%; no homozygotes.

Submission:

Labcorp Genetics (formerly Invitae), Labcorp
Classification: Uncertain significance. Last evaluated: 2024-07-27. Review status: criteria provided, single submitter. Criteria: Invitae Variant Classification Sherloc (09022015). Collection method: clinical testing. Allele origin: germline.
Comment: This sequence change replaces alanine, which is neutral and non-polar, with serine, which is neutral and polar, at codon 197 of the FGFRL1 protein (p.Ala197Ser). The frequency data for this variant in the population databases is considered unreliable, as metrics indicate poor data quality at this position in the gnomAD database. This variant has not been reported in the literature in individuals affected with FGFRL1-related conditions. An algorithm developed to predict the effect of missense changes on protein structure and function outputs the following: PolyPhen-2: "Benign". The serine amino acid residue is found in multiple mammalian species, which suggests that this missense change does not adversely affect protein function. In summary, the available evidence is currently insufficient to determine the role of this variant in disease. Therefore, it has been classified as a Variant of Uncertain Significance.